The following is an entry in ClinVar:

NM_001349.4(DARS1):c.1486C>G (p.Pro496Ala)

Gene: DARS1 (aspartyl-tRNA synthetase 1; minus strand). Cytogenetic location: 2q21.3.
Variant type: single nucleotide variant.
Coding change: c.1486C>G on transcript NM_001349.4 (MANE Select); coding-DNA position 1486, C replaced by G.
Protein change: p.Pro496Ala; replaces proline 496 with alanine.
Molecular consequence: missense variant.
Genome position (GRCh38, 1-based): chr2:135,907,336, G>C on the plus strand (C>G on the coding strand, the complement: DARS1 is on the minus strand). VCF-style: chr2-135907336-G-C. GRCh37 (hg19) VCF-style: chr2-136664906-G-C.
Other names: c.1186C>G, p.Pro396Ala (NM_001293312.1); short protein forms P396A, P496A.
Identifiers: ClinVar variation 2124048 (VCV002124048.4), dbSNP rs1020492946, ClinGen allele CA348606702.
Genomic context (GRCh38, chr2:135,907,336, plus strand): 5'-CTCTGTCATCCACACTGGAGTTAAGTGGCAAAGTGTGAATTTAAGGAGTGAGTCGTTTGG[G>C]ATCACGAGGGAACATGGAGGTCTGACGAACATTATGCAATCCCAGAAACAGCATAGTAAC-3'
Protein context (NP_001340.2, residues 486-501): VRQTSMFPRD[Pro496Ala]KRLTP

ClinVar aggregate classification (germline): Uncertain significance (1 of 4 stars; one submission).

Allele frequency attached by ClinVar (database versions not stated): gnomAD 0.00016; TOPMed 0.00016.
gnomAD v4.1: 31 of 1,605,218 alleles (0.0019%); highest among the groups gnomAD compares: Admixed American, 0.052%; no homozygotes.

Submission:

Labcorp Genetics (formerly Invitae), Labcorp
Classification: Uncertain significance. Last evaluated: 2024-06-17. Review status: criteria provided, single submitter. Criteria: Invitae Variant Classification Sherloc (09022015). Collection method: clinical testing. Allele origin: germline.
Comment: This sequence change replaces proline, which is neutral and non-polar, with alanine, which is neutral and non-polar, at codon 496 of the DARS protein (p.Pro496Ala). This variant is present in population databases (no rsID available, gnomAD 0.02%). This variant has not been reported in the literature in individuals affected with DARS-related conditions. ClinVar contains an entry for this variant (Variation ID: 2124048). An algorithm developed to predict the effect of missense changes on protein structure and function (PolyPhen-2) suggests that this variant is likely to be disruptive. In summary, the available evidence is currently insufficient to determine the role of this variant in disease. Therefore, it has been classified as a Variant of Uncertain Significance.